The following is an entry in ClinVar:

ClinVar aggregate classification (germline): Uncertain significance (1 of 4 stars; one submission).

Allele frequency attached by ClinVar (database versions not stated): ExAC 0.00001; gnomAD exomes below 0.00001.

Submission:

Labcorp Genetics (formerly Invitae), Labcorp
Classification: Uncertain significance. Last evaluated: 2022-07-25. Review status: criteria provided, single submitter. Criteria: Invitae Variant Classification Sherloc (09022015). Collection method: clinical testing. Allele origin: germline.
Comment: In summary, the available evidence is currently insufficient to determine the role of this variant in disease. Therefore, it has been classified as a Variant of Uncertain Significance. Algorithms developed to predict the effect of missense changes on protein structure and function are either unavailable or do not agree on the potential impact of this missense change (SIFT: "Tolerated"; PolyPhen-2: "Probably Damaging"; Align-GVGD: "Class C0"). This variant has not been reported in the literature in individuals affected with SLC4A1-related conditions. This variant is present in population databases (rs775348499, gnomAD 0.003%). This sequence change replaces methionine, which is neutral and non-polar, with threonine, which is neutral and polar, at codon 578 of the SLC4A1 protein (p.Met578Thr).

NM_000342.4(SLC4A1):c.1733T>C (p.Met578Thr)

Gene: SLC4A1 (solute carrier family 4 member 1 (Diego blood group); minus strand). Cytogenetic location: 17q21.31.
Variant type: single nucleotide variant.
Coding change: c.1733T>C on transcript NM_000342.4 (MANE Select); coding-DNA position 1733, T replaced by C.
Protein change: p.Met578Thr; replaces methionine 578 with threonine.
Molecular consequence: missense variant.
Genome position (GRCh38, 1-based): chr17:44,255,740, A>G on the plus strand (T>C on the coding strand, the complement: SLC4A1 is on the minus strand). VCF-style: chr17-44255740-A-G. GRCh37 (hg19) VCF-style: chr17-42333108-A-G.
Other names: short protein forms M578T.
Identifiers: ClinVar variation 2075434 (VCV002075434.4), dbSNP rs775348499, ClinGen allele CA8600210.